The following is an entry in ClinVar:

NC_000015.9:g.(?_96875335)_(96880851_?)dup

Gene: NR2F2 (nuclear receptor subfamily 2 group F member 2; plus strand). Cytogenetic location: 15q26.2.
Variant type: Duplication.
Identifiers: ClinVar variation 1438904 (VCV001438904.5).

ClinVar aggregate classification (germline): Uncertain significance (1 of 4 stars; one submission).

Conditions:
Congenital heart defects, multiple types, 4 (CHTD4). Identifiers: MedGen C4014310, MONDO:0014344, OMIM 615779.

Submission:

Labcorp Genetics (formerly Invitae), Labcorp
Classification: Uncertain significance for Congenital heart defects, multiple types, 4. Last evaluated: 2022-07-11. Review status: criteria provided, single submitter. Criteria: Invitae Variant Classification Sherloc (09022015). Collection method: clinical testing. Allele origin: germline.
Comment: In summary, the available evidence is currently insufficient to determine the role of this variant in disease. Therefore, it has been classified as a Variant of Uncertain Significance. This variant has not been reported in the literature in individuals affected with NR2F2-related conditions. A copy number gain of the genomic region encompassing the full coding sequence of the NR2F2 gene has been identified. The boundaries of this event are unknown as they extend beyond the assayed region for this gene and therefore may encompass additional genes. As the precise location of this event is unknown, it may be in tandem or it may be located elsewhere in the genome.